The following is an entry in ClinVar:

NM_001349253.2(SCN11A):c.4327A>G (p.Ser1443Gly)

Gene: SCN11A (sodium voltage-gated channel alpha subunit 11; minus strand). Cytogenetic location: 3p22.2.
Variant type: single nucleotide variant.
Coding change: c.4327A>G on transcript NM_001349253.2 (MANE Select); coding-DNA position 4327, A replaced by G.
Protein change: p.Ser1443Gly; replaces serine 1443 with glycine.
Molecular consequence: missense variant.
Genome position (GRCh38, 1-based): chr3:38,850,481, T>C on the plus strand (A>G on the coding strand, the complement: SCN11A is on the minus strand). VCF-style: chr3-38850481-T-C. GRCh37 (hg19) VCF-style: chr3-38891972-T-C.
Other names: c.4327A>G, p.Ser1443Gly (NM_014139.3); short protein forms S1443G.
Identifiers: ClinVar variation 2104623 (VCV002104623.4), dbSNP rs2470975149, ClinGen allele CA352165205.

ClinVar aggregate classification (germline): Uncertain significance (1 of 4 stars; one submission).

Conditions:
Hereditary sensory and autonomic neuropathy type 7. Also called: Neuropathy, hereditary sensory and autonomic, type VII; HSAN VII. Identifiers: Orphanet 391397, MedGen C3809882, MONDO:0014244, OMIM 615548.
Familial episodic pain syndrome with predominantly lower limb involvement. Also called: Episodic pain syndrome, familial, 3. Identifiers: Orphanet 391384, Orphanet 391392, MedGen C3809899, MONDO:0014247, OMIM 615552.

Allele frequency attached by ClinVar (database versions not stated): gnomAD exomes below 0.00001.
gnomAD v4.1: 1 of 1,610,714 alleles (0.000062%); highest among the groups gnomAD compares: Non-Finnish European, 0.000085%; no homozygotes.

Submission:

Labcorp Genetics (formerly Invitae), Labcorp
Classification: Uncertain significance for Familial episodic pain syndrome with predominantly lower limb involvement; Hereditary sensory and autonomic neuropathy type 7. Last evaluated: 2024-02-23. Review status: criteria provided, single submitter. Criteria: Invitae Variant Classification Sherloc (09022015). Collection method: clinical testing. Allele origin: germline.
Comment: This sequence change replaces serine, which is neutral and polar, with glycine, which is neutral and non-polar, at codon 1443 of the SCN11A protein (p.Ser1443Gly). This variant is not present in population databases (gnomAD no frequency). This variant has not been reported in the literature in individuals affected with SCN11A-related conditions. ClinVar contains an entry for this variant (Variation ID: 2104623). An algorithm developed to predict the effect of missense changes on protein structure and function (PolyPhen-2) suggests that this variant is likely to be disruptive. In summary, the available evidence is currently insufficient to determine the role of this variant in disease. Therefore, it has been classified as a Variant of Uncertain Significance.